The following is an entry in ClinVar:

NM_001375524.1(TRRAP):c.2678G>A (p.Arg893His)

Gene: TRRAP (transformation/transcription domain associated protein; plus strand). Cytogenetic location: 7q22.1.
Variant type: single nucleotide variant.
Coding change: c.2678G>A on transcript NM_001375524.1 (MANE Select); coding-DNA position 2678, G replaced by A.
Protein change: p.Arg893His; replaces arginine 893 with histidine.
Molecular consequence: missense variant.
Genome position (GRCh38, 1-based): chr7:98,921,808, G>A. VCF-style: chr7-98921808-G-A. GRCh37 (hg19) VCF-style: chr7-98519431-G-A.
Other names: c.2678G>A, p.Arg893His (NM_001244580.2, NM_003496.4); short protein forms R893H.
Identifiers: ClinVar variation 1334529 (VCV001334529.7), dbSNP rs1319804642, ClinGen allele CA368293983.

ClinVar aggregate classification (germline): Uncertain significance. Review status: criteria provided, multiple submitters, no conflicts (2 of 4 stars). 2 submissions from 2 submitters: Uncertain significance (2). Last evaluated 2023-04-18.

Allele frequency attached by ClinVar (database versions not stated): TOPMed 0.00001.

Submissions (2):

Labcorp Genetics (formerly Invitae), Labcorp
Classification: Uncertain significance. Last evaluated: 2023-04-18. Review status: criteria provided, single submitter. Criteria: Invitae Variant Classification Sherloc (09022015). Collection method: clinical testing. Allele origin: germline.
Comment: In summary, the available evidence is currently insufficient to determine the role of this variant in disease. Therefore, it has been classified as a Variant of Uncertain Significance. Advanced modeling of protein sequence and biophysical properties (such as structural, functional, and spatial information, amino acid conservation, physicochemical variation, residue mobility, and thermodynamic stability) performed at Invitae indicates that this missense variant is expected to disrupt TRRAP protein function. ClinVar contains an entry for this variant (Variation ID: 1334529). This variant has not been reported in the literature in individuals affected with TRRAP-related conditions. This variant is not present in population databases (gnomAD no frequency). This sequence change replaces arginine, which is basic and polar, with histidine, which is basic and polar, at codon 893 of the TRRAP protein (p.Arg893His).

Greenwood Genetic Center Diagnostic Laboratories, Greenwood Genetic Center
Classification: Uncertain significance. Last evaluated: 2021-07-30. Review status: criteria provided, single submitter. Criteria: ACMG Guidelines, 2015. Collection method: clinical testing. Allele origin: germline. Affected: yes.
Comment: PP2, PP3, PM5_Supporting, PM2